The following is an entry in ClinVar:

NM_001130144.3(LTBP3):c.2950G>C (p.Val984Leu)

Genes: LTBP3 (latent transforming growth factor beta binding protein 3; minus strand), LOC121832793 (Sharpr-MPRA regulatory region 4001; plus strand). Cytogenetic location: 11q13.1.
Variant type: single nucleotide variant.
Coding change: c.2950G>C on transcript NM_001130144.3 (MANE Select); coding-DNA position 2950, G replaced by C.
Protein change: p.Val984Leu; replaces valine 984 with leucine.
Molecular consequence: missense variant.
Genome position (GRCh38, 1-based): chr11:65,540,898, C>G on the plus strand (G>C on the coding strand, the complement: LTBP3 is on the minus strand). VCF-style: chr11-65540898-C-G. GRCh37 (hg19) VCF-style: chr11-65308369-C-G.
Other names: c.2599G>C, p.Val867Leu (NM_001164266.1); c.2950G>C, p.Val984Leu (NM_021070.4); c.2950G>C (NM_001130144.2); short protein forms V984L, V867L.
Identifiers: ClinVar variation 3630816 (VCV003630816.3).
Genomic context (GRCh38, chr11:65,540,898, plus strand): 5'-GGCGCGGGGCGGGCGGAGCCGCAGGGCGCTTACCACGGTGGGCTGGGATGCCGTAGTTGA[C>G]GATGTTGTTGTCCTGGGTGTAGCCCTTTCCGTCTGGGCAGAGGCTGTGGAACTCGGCTGC-3'
Protein context (NP_001123616.1, residues 974-994): GKGYTQDNNI[Val984Leu]NYGIPAHRDI

ClinVar aggregate classification (germline): Uncertain significance. Review status: criteria provided, multiple submitters, no conflicts (2 of 4 stars). 2 submissions from 2 submitters: Uncertain significance (2). Last evaluated 2026-03-11.

Conditions:
Inborn genetic diseases. Identifiers: MedGen C0950123, MeSH D030342.
Brachyolmia-amelogenesis imperfecta syndrome. Also called: PLATYSPONDYLY WITH AMELOGENESIS IMPERFECTA; Tooth agenesis, selective, 6; Dental anomalies and short stature. Identifiers: Orphanet 2899, MedGen C1832594, MONDO:0011018, OMIM 601216. Disease mechanism: loss of function.

Submissions (2):

Ambry Genetics
Classification: Uncertain significance for Inborn genetic diseases. Last evaluated: 2026-03-11. Review status: criteria provided, single submitter. Criteria: Ambry Variant Classification Scheme 2023. Collection method: clinical testing. Allele origin: germline.
Comment: The p.V984L variant (also known as c.2950G>C), located in coding exon 21 of the LTBP3 gene, results from a G to C substitution at nucleotide position 2950. The valine at codon 984 is replaced by leucine, an amino acid with highly similar properties. This amino acid position is conserved. In addition, this alteration is predicted to be tolerated by in silico analysis. Based on the available evidence, the clinical significance of this variant remains unclear.

Labcorp Genetics (formerly Invitae), Labcorp
Classification: Uncertain significance for Brachyolmia-amelogenesis imperfecta syndrome. Last evaluated: 2024-11-13. Review status: criteria provided, single submitter. Criteria: Invitae Variant Classification Sherloc (09022015). Collection method: clinical testing. Allele origin: germline.
Comment: This sequence change replaces valine, which is neutral and non-polar, with leucine, which is neutral and non-polar, at codon 984 of the LTBP3 protein (p.Val984Leu). This variant is not present in population databases (gnomAD no frequency). This variant has not been reported in the literature in individuals affected with LTBP3-related conditions. An algorithm developed to predict the effect of missense changes on protein structure and function (PolyPhen-2) suggests that this variant is likely to be tolerated. In summary, the available evidence is currently insufficient to determine the role of this variant in disease. Therefore, it has been classified as a Variant of Uncertain Significance.